The following is an entry in ClinVar:

NM_152443.3(RDH12):c.848+2T>C

Genes: GPHN (gephyrin; plus strand), RDH12 (retinol dehydrogenase 12; plus strand), ZFYVE26 (zinc finger FYVE-type containing 26; minus strand). Cytogenetic location: 14q24.1.
Variant type: single nucleotide variant.
Coding change: c.848+2T>C on transcript NM_152443.3 (MANE Select); the canonical splice donor site of the intron after coding-DNA position 848, T replaced by C.
Molecular consequence: splice donor variant.
Genome position (GRCh38, 1-based): chr14:67,729,382, T>C. VCF-style: chr14-67729382-T-C. GRCh37 (hg19) VCF-style: chr14-68196099-T-C.
Identifiers: ClinVar variation 236431 (VCV000236431.17), dbSNP rs878853338, ClinGen allele CA10581695.

ClinVar aggregate classification (germline): Pathogenic/Likely pathogenic. Review status: criteria provided, multiple submitters, no conflicts (2 of 4 stars). 5 submissions from 5 submitters: Pathogenic (1); Likely pathogenic (3). 1 of the submissions does not count toward it. Last evaluated 2025-03-31.

Conditions:
RDH12-related disorder. Also called: RDH12-related condition; RDH12-related disorders.
Retinal dystrophy. Also called: Inherited retinal dystrophy. Identifiers: Orphanet 71862, MedGen C0854723, MeSH D058499, MONDO:0019118, HP:0000556.
Leber congenital amaurosis (LCA). Also called: Leber's amaurosis. Identifiers: Orphanet 65, MedGen C0339527, MeSH D057130, MONDO:0018998.
Leber congenital amaurosis 13 (LCA13). Identifiers: MedGen C2675186, MONDO:0012990, OMIM 612712.

Allele frequency attached by ClinVar (database versions not stated): gnomAD exomes below 0.00001.
gnomAD v4.1: 1 of 1,597,106 alleles (0.000063%); highest among the groups gnomAD compares: Non-Finnish European, 0.000085%; no homozygotes.

Submissions (5):

Natera, Inc.
Classification: Likely pathogenic for Leber congenital amaurosis. Last evaluated: 2025-03-31. Review status: criteria provided, single submitter. Criteria: Natera Variant Classification Schema (03/2026). Collection method: clinical testing. Allele origin: germline.
Comment: The c.848+2T>C variant in RDH12 is a canonical splice donor site variant predicted to affect pre-mRNA splicing, which may result in an abnormal transcript and altered protein product. This variant is expected to result in nonsense mediated decay, truncation, or a dysfunctional protein product. This variant is rare in the general population with a frequency below the threshold expected for the associated phenotype(s). This variant has been observed in one or more individuals affected with the associated recessive disease, as either homozygous or compound heterozygous with a second variant (PMID: 27208204). Given the available evidence, this variant is classified as Likely Pathogenic.

Fulgent Genetics
Classification: Likely pathogenic for Leber congenital amaurosis 13. Last evaluated: 2024-03-15. Review status: criteria provided, single submitter. Criteria: ACMG Guidelines, 2015. Collection method: clinical testing. Allele origin: germline.

Labcorp Genetics (formerly Invitae), Labcorp
Classification: Pathogenic for Leber congenital amaurosis 13. Last evaluated: 2024-03-05. Review status: criteria provided, single submitter. Criteria: Invitae Variant Classification Sherloc (09022015). Collection method: clinical testing. Allele origin: germline.
Comment: This sequence change affects a donor splice site in intron 8 of the RDH12 gene. While this variant is not anticipated to result in nonsense mediated decay, it likely alters RNA splicing and results in a disrupted protein product. This variant is not present in population databases (gnomAD no frequency). Disruption of this splice site has been observed in individual(s) with Leber congenital amaurosis (PMID: 27208204). ClinVar contains an entry for this variant (Variation ID: 236431). Variants that disrupt the consensus splice site are a relatively common cause of aberrant splicing (PMID: 17576681, 9536098). Algorithms developed to predict the effect of sequence changes on RNA splicing suggest that this variant may disrupt the consensus splice site. This variant disrupts a region of the RDH12 protein in which other variant(s) (p.Arg295*) have been determined to be pathogenic (PMID: 16269441, 22065924, 26047050, 28559085). This suggests that this is a clinically significant region of the protein, and that variants that disrupt it are likely to be disease-causing. For these reasons, this variant has been classified as Pathogenic.

Blueprint Genetics
Classification: Likely pathogenic for RDH12-related disorders. Last evaluated: 2020-02-19. Review status: criteria provided, single submitter. Criteria: ACMG Guidelines, 2015. Collection method: clinical testing. Allele origin: germline. Affected: yes. Observed: 1 variant allele.

Centre for Genomic Medicine, Manchester, Central Manchester University Hospitals
Classification: Uncertain significance for Retinal dystrophy. Review status: no assertion criteria provided. Collection method: clinical testing. Allele origin: germline. Affected: yes. Not counted in ClinVar's aggregate classification.

Literature cited by the submitters: PubMed 27208204 (cited by Natera, Inc. and Labcorp Genetics (formerly Invitae), Labcorp); PubMed 17576681 (cited by Labcorp Genetics (formerly Invitae), Labcorp); PubMed 9536098 (cited by Labcorp Genetics (formerly Invitae), Labcorp); PubMed 16269441 (cited by Labcorp Genetics (formerly Invitae), Labcorp); PubMed 22065924 (cited by Labcorp Genetics (formerly Invitae), Labcorp); PubMed 26047050 (cited by Labcorp Genetics (formerly Invitae), Labcorp); PubMed 28559085 (cited by Labcorp Genetics (formerly Invitae), Labcorp).